The following is an entry in ClinVar:

ClinVar aggregate classification (germline): Uncertain significance (1 of 4 stars; one submission).

Conditions:
Hereditary cancer-predisposing syndrome. Also called: Hereditary Cancer Syndrome; Tumor predisposition; Hereditary neoplastic syndrome; Neoplastic Syndromes, Hereditary. Identifiers: Orphanet 140162, MedGen C0027672, MeSH D009386, MONDO:0015356.

Submission:

Labcorp Genetics (formerly Invitae), Labcorp
Classification: Uncertain significance for Hereditary cancer-predisposing syndrome. Last evaluated: 2022-07-26. Review status: criteria provided, single submitter. Criteria: Invitae Variant Classification Sherloc (09022015). Collection method: clinical testing. Allele origin: germline.
Comment: In summary, the available evidence is currently insufficient to determine the role of this variant in disease. Therefore, it has been classified as a Variant of Uncertain Significance. Algorithms developed to predict the effect of missense changes on protein structure and function (SIFT, PolyPhen-2, Align-GVGD) all suggest that this variant is likely to be tolerated. ClinVar contains an entry for this variant (Variation ID: 1047413). This variant has not been reported in the literature in individuals affected with RAD50-related conditions. This variant is not present in population databases (gnomAD no frequency). This sequence change replaces serine, which is neutral and polar, with arginine, which is basic and polar, at codon 784 of the RAD50 protein (p.Ser784Arg).

NM_005732.4(RAD50):c.2350A>C (p.Ser784Arg)

Gene: RAD50 (RAD50 double strand break repair protein; plus strand). Cytogenetic location: 5q31.1.
Variant type: single nucleotide variant.
Coding change: c.2350A>C on transcript NM_005732.4 (MANE Select); coding-DNA position 2350, A replaced by C.
Protein change: p.Ser784Arg; replaces serine 784 with arginine.
Molecular consequence: missense variant.
Genome position (GRCh38, 1-based): chr5:132,603,442, A>C. VCF-style: chr5-132603442-A-C. GRCh37 (hg19) VCF-style: chr5-131939134-A-C.
Other names: short protein forms S784R.
Identifiers: ClinVar variation 1047413 (VCV001047413.9), dbSNP rs1750924370, ClinGen allele CA360954861.
Genomic context (GRCh38, chr5:132,603,442, plus strand): 5'-CTAAAGAACGACATAGAAGAACAAGAAACACTCTTGGGTACAATAATGCCTGAAGAAGAA[A>C]GTGCCAAAGTATGCCTGACAGATGTTACAATTATGGAGAGGTTCCAGGTAAGTTTATTGT-3'
Protein context (NP_005723.2, residues 774-794): LLGTIMPEEE[Ser784Arg]AKVCLTDVTI